The following is an entry in ClinVar:

NM_000964.4(RARA):c.1284G>T (p.Gly428=)

Gene: RARA (retinoic acid receptor alpha; plus strand). Cytogenetic location: 17q21.2.
Variant type: single nucleotide variant.
Coding change: c.1284G>T on transcript NM_000964.4 (MANE Select); coding-DNA position 1284, G replaced by T.
Protein change: p.Gly428=; no amino-acid change (glycine 428 retained).
Molecular consequence: synonymous variant.
Genome position (GRCh38, 1-based): chr17:40,356,121, G>T. VCF-style: chr17-40356121-G-T. GRCh37 (hg19) VCF-style: chr17-38512373-G-T.
Other names: c.1269G>T, p.Gly423= (NM_001024809.4); c.1284G>T, p.Gly428= (NM_001145301.3); c.993G>T, p.Gly331= (NM_001145302.3).
Identifiers: ClinVar variation 4083681 (VCV004083681.8).

ClinVar aggregate classification (germline): Likely benign (1 of 4 stars; one submission).

Submission:

CeGaT Center for Human Genetics Tuebingen
Classification: Likely benign. Last evaluated: 2025-07-01. Review status: criteria provided, single submitter. Criteria: CeGaT Center For Human Genetics Tuebingen Variant Classification Criteria Version 2. Collection method: clinical testing. Allele origin: germline. Affected: yes. Observed: 1 variant allele.
Comment: RARA: BP4, BP7